The following is an entry in ClinVar:

NM_015311.3(OBSL1):c.3850G>A (p.Gly1284Ser)

Gene: OBSL1 (obscurin like cytoskeletal adaptor 1; minus strand). Cytogenetic location: 2q35.
Variant type: single nucleotide variant.
Coding change: c.3850G>A on transcript NM_015311.3 (MANE Select); coding-DNA position 3850, G replaced by A.
Protein change: p.Gly1284Ser; replaces glycine 1284 with serine.
Molecular consequence: missense variant.
Genome position (GRCh38, 1-based): chr2:219,557,559, C>T on the plus strand (G>A on the coding strand, the complement: OBSL1 is on the minus strand). VCF-style: chr2-219557559-C-T. GRCh37 (hg19) VCF-style: chr2-220422281-C-T.
Other names: c.3850G>A, p.Gly1284Ser (NM_001173431.2); short protein forms G1284S.
Identifiers: ClinVar variation 809172 (VCV000809172.56), dbSNP rs74589174, ClinGen allele CA2130730.
Genomic context (GRCh38, chr2:219,557,559, plus strand): 5'-TGTACCAGCGTACAGGGCCCCCTGGCCCGGAGAGGTGCACCACCAGCTCTAGGTCCCCGC[C>T]TGGGGTGCTCCGAACCCTCGTCTGGGCTGCCTCGGGAGCTACCACCCGCACAGGGGGCTC-3'
Protein context (NP_056126.1, residues 1274-1294): AAQTRVRSTP[Gly1284Ser]GDLELVVHLS

ClinVar aggregate classification (germline): Conflicting classifications of pathogenicity. Review status: criteria provided, conflicting classifications (1 of 4 stars). 5 submissions from 5 submitters: Uncertain significance (2); Likely benign (2). 1 of the submissions does not count toward it. Last evaluated 2026-01-20.

Conditions:
3M syndrome 2. Also called: THREE M SYNDROME 2; 3-M Syndrome, OBSL1-Related. Identifiers: Orphanet 2616, MedGen C2752041, MONDO:0013039, OMIM 612921.
Inborn genetic diseases. Identifiers: MedGen C0950123, MeSH D030342.
OBSL1-related disorder. Also called: OBSL1-related condition.

Allele frequency attached by ClinVar (database versions not stated): gnomAD 0.00014 and 0.00035; TOPMed 0.00028; gnomAD exomes 0.00058 and 0.00078; ExAC 0.00121; 1000 Genomes Project 0.00140; 1000 Genomes Project 30x 0.00141.
gnomAD v4.1: 1,122 of 1,551,836 alleles (0.072%); highest among the groups gnomAD compares: East Asian, 2.4%; 18 homozygotes.

Submissions (5):

Labcorp Genetics (formerly Invitae), Labcorp
Classification: Likely benign. Last evaluated: 2026-01-20. Review status: criteria provided, single submitter. Criteria: Invitae Variant Classification Sherloc (09022015). Collection method: clinical testing. Allele origin: germline.

Ambry Genetics
Classification: Uncertain significance for Inborn genetic diseases. Last evaluated: 2024-02-17. Review status: criteria provided, single submitter. Criteria: Ambry Variant Classification Scheme 2023. Collection method: clinical testing. Allele origin: germline.

CeGaT Center for Human Genetics Tuebingen
Classification: Uncertain significance. Last evaluated: 2019-02-01. Review status: criteria provided, single submitter. Criteria: CeGaT Center For Human Genetics Tuebingen Variant Classification Criteria Version 2. Collection method: clinical testing. Allele origin: germline. Affected: yes. Observed: 3 variant alleles.

Illumina Laboratory Services, Illumina
Classification: Likely benign for 3M syndrome 2. Last evaluated: 2018-01-12. Review status: criteria provided, single submitter. Criteria: ICSL Variant Classification Criteria 13 December 2019. Collection method: clinical testing. Allele origin: germline.
Comment: This variant was observed in the ICSL laboratory as part of a predisposition screen in an ostensibly healthy population. It had not been previously curated by ICSL or reported in the Human Gene Mutation Database (HGMD: prior to June 1st, 2018), and was therefore a candidate for classification through an automated scoring system. Utilizing variant allele frequency, disease prevalence and penetrance estimates, and inheritance mode, an automated score was calculated to assess if this variant is too frequent to cause the disease. Based on the score and internal cut-off values, a variant classified as likely benign is not then subjected to further curation. The score for this variant resulted in a classification of likely benign for this disease.

PreventionGenetics, part of Exact Sciences
Classification: Likely benign for OBSL1-related condition. Last evaluated: 2020-08-31. Review status: no assertion criteria provided. Collection method: clinical testing. Allele origin: germline. Not counted in ClinVar's aggregate classification.
Comment: This variant is classified as likely benign based on ACMG/AMP sequence variant interpretation guidelines (Richards et al. 2015 PMID: 25741868, with internal and published modifications).